The following is an entry in ClinVar:

ClinVar aggregate classification (germline): Likely pathogenic (1 of 4 stars; one submission).

Conditions:
Adams-Oliver syndrome 2 (AOS2). Identifiers: Orphanet 974, MedGen C3280182, MONDO:0013635, OMIM 614219.

Submission:

Juno Genomics, Hangzhou Juno Genomics, Inc
Classification: Likely pathogenic for Adams-Oliver syndrome 2. Review status: criteria provided, single submitter. Criteria: ACMG Guidelines, 2015. Collection method: clinical testing. Allele origin: germline.
Comment: Null variant in a gene where loss of function (LOF) is a known mechanism of disease.;Absent from controls (or at extremely low frequency if recessive) in Genome Aggregation Database.

NM_020812.4(DOCK6):c.143_146del (p.Thr48fs)

Gene: DOCK6 (dedicator of cytokinesis 6; minus strand). Cytogenetic location: 19p13.2.
Variant type: Microsatellite.
Coding change: c.143_146del on transcript NM_020812.4 (MANE Select); coding-DNA positions 143 to 146, 4 bases deleted (CTGA; older notation c.143_146delCTGA).
Protein change: p.Thr48fs; shifts the reading frame from threonine 48.
Molecular consequence: frameshift variant.
Genome position (GRCh38, 1-based): chr19:11,252,945-11,252,948, TCAG deleted on the plus strand (CTGA on the coding strand, the reverse complement: DOCK6 is on the minus strand); deleting any 4 consecutive bases within chr19:11,252,945-11,252,953 gives the same sequence; the c. name uses the placement nearest the transcript's 3' end. VCF-style (leftmost placement, unchanged base first): chr19-11252944-TTCAG-T. GRCh37 (hg19) VCF-style: chr19-11363620-TTCAG-T.
Other names: c.143_146del, p.Thr48fs (NM_001367830.1); short protein forms T48fs.
Identifiers: ClinVar variation 5005920 (VCV005005920.2).
Genomic context (GRCh38, chr19:11,252,944, plus strand): 5'-GGGCTCAGCATCTGGTGGCCGGCTCAGAAGTACATCCTCAAAGTCCAGGGGCTCGACAAC[TTCAG>T]TCAGTGGGACCTGGATTGGAGCAAAGTGGCTGTGATCGCACTACCTAGGAGGCTGAGAGT-3'